The following is an entry in ClinVar:

ClinVar aggregate classification (germline): Uncertain significance (1 of 4 stars; one submission).

Conditions:
Retinitis pigmentosa 12 (RP12). Also called: RP WITH OR WITHOUT PPRPE; RP WITH OR WITHOUT PRESERVED PARAARTERIOLE RETINAL PIGMENT EPITHELIUM; RETINITIS PIGMENTOSA WITH OR WITHOUT PARAARTERIOLAR PRESERVATION OF RETINAL PIGMENT EPITHELIUM. Identifiers: Orphanet 791, MedGen C1838647, MONDO:0010818, OMIM 600105.
Leber congenital amaurosis 8 (LCA8). Identifiers: Orphanet 65, MedGen C3151202, MONDO:0013453, OMIM 613835.

Allele frequency attached by ClinVar (database versions not stated): TOPMed below 0.00001.

Submission:

Labcorp Genetics (formerly Invitae), Labcorp
Classification: Uncertain significance for Leber congenital amaurosis 8; Retinitis pigmentosa 12. Last evaluated: 2022-10-25. Review status: criteria provided, single submitter. Criteria: Invitae Variant Classification Sherloc (09022015). Collection method: clinical testing. Allele origin: germline.
Comment: ClinVar contains an entry for this variant (Variation ID: 960140). Algorithms developed to predict the effect of missense changes on protein structure and function (SIFT, PolyPhen-2, Align-GVGD) all suggest that this variant is likely to be disruptive. In summary, the available evidence is currently insufficient to determine the role of this variant in disease. Therefore, it has been classified as a Variant of Uncertain Significance. This variant has not been reported in the literature in individuals affected with CRB1-related conditions. This sequence change replaces cysteine, which is neutral and slightly polar, with phenylalanine, which is neutral and non-polar, at codon 1294 of the CRB1 protein (p.Cys1294Phe). This variant is not present in population databases (gnomAD no frequency).

NM_201253.3(CRB1):c.3881G>T (p.Cys1294Phe)

Gene: CRB1 (crumbs cell polarity complex component 1; plus strand). Cytogenetic location: 1q31.3.
Variant type: single nucleotide variant.
Coding change: c.3881G>T on transcript NM_201253.3 (MANE Select); coding-DNA position 3881, G replaced by T.
Protein change: p.Cys1294Phe; replaces cysteine 1294 with phenylalanine.
Molecular consequence: missense variant. On other transcripts: non-coding transcript variant (2).
Genome position (GRCh38, 1-based): chr1:197,442,168, G>T. VCF-style: chr1-197442168-G-T. GRCh37 (hg19) VCF-style: chr1-197411298-G-T.
Other names: c.3545G>T, p.Cys1182Phe (NM_001193640.2); c.3809G>T, p.Cys1270Phe (NM_001257965.2); c.2273G>T, p.Cys758Phe (NM_001257966.2); short protein forms C1182F, C1270F, C1294F, C758F.
Identifiers: ClinVar variation 960140 (VCV000960140.9), dbSNP rs754575460, ClinGen allele CA344052365.
Genomic context (GRCh38, chr1:197,442,168, plus strand): 5'-TTCACAACCAATGTATTCAACAGGGACCTGGGTTTCTGCTGTTCTGTTTATTTTGAAGGT[G>T]TGAAAAGGACATTGATGAGTGTGCCTCTGATCCGTGTGTCAATGGAGGTCTGTGCCAGGA-3'
Protein context (NP_957705.1, residues 1284-1304): MCRPGFTGEW[Cys1294Phe]EKDIDECASD